The following is an entry in ClinVar:

ClinVar aggregate classification (germline): Uncertain significance (1 of 4 stars; one submission).

Conditions:
Ehlers-Danlos syndrome, dermatosparaxis type. Also called: Ehlers-Danlos syndrome, type VII, autosomal recessive; EDS VIIC; Dermatosparaxis. Identifiers: Orphanet 1901, MedGen C2700425, MONDO:0009161, OMIM 225410.

Submission:

Labcorp Genetics (formerly Invitae), Labcorp
Classification: Uncertain significance for Ehlers-Danlos syndrome, dermatosparaxis type. Last evaluated: 2022-02-20. Review status: criteria provided, single submitter. Criteria: Invitae Variant Classification Sherloc (09022015). Collection method: clinical testing. Allele origin: germline.
Comment: In summary, the available evidence is currently insufficient to determine the role of this variant in disease. Therefore, it has been classified as a Variant of Uncertain Significance. Algorithms developed to predict the effect of missense changes on protein structure and function (SIFT, PolyPhen-2, Align-GVGD) all suggest that this variant is likely to be disruptive. This variant has not been reported in the literature in individuals affected with ADAMTS2-related conditions. This variant is not present in population databases (gnomAD no frequency). This sequence change replaces glycine, which is neutral and non-polar, with aspartic acid, which is acidic and polar, at codon 571 of the ADAMTS2 protein (p.Gly571Asp).

NM_014244.5(ADAMTS2):c.1712G>A (p.Gly571Asp)

Gene: ADAMTS2 (ADAM metallopeptidase with thrombospondin type 1 motif 2; minus strand). Cytogenetic location: 5q35.3.
Variant type: single nucleotide variant.
Coding change: c.1712G>A on transcript NM_014244.5 (MANE Select); coding-DNA position 1712, G replaced by A.
Protein change: p.Gly571Asp; replaces glycine 571 with aspartic acid.
Molecular consequence: missense variant.
Genome position (GRCh38, 1-based): chr5:179,139,953, C>T on the plus strand (G>A on the coding strand, the complement: ADAMTS2 is on the minus strand). VCF-style: chr5-179139953-C-T. GRCh37 (hg19) VCF-style: chr5-178566954-C-T.
Other names: short protein forms G571D.
Identifiers: ClinVar variation 2099869 (VCV002099869.2), dbSNP rs2480202611, ClinGen allele CA362428093.